The following is an entry in ClinVar:

NM_000540.3(RYR1):c.7835+5_7835+44del

Gene: RYR1 (ryanodine receptor 1; plus strand). Cytogenetic location: 19q13.2.
Variant type: Deletion.
Coding change: c.7835+5_7835+44del on transcript NM_000540.3 (MANE Select); bases 5 to 44 of the intron after coding-DNA position 7835, 40 bases deleted.
Molecular consequence: intron variant.
Genome position (GRCh38, 1-based): chr19:38,502,732-38,502,771, 40 bases deleted; deleting any 40 consecutive bases within chr19:38,502,730-38,502,771 gives the same sequence; the c. name uses the placement nearest the transcript's 3' end. GRCh37 (hg19): chr19:38,993,372-38,993,411.
Other names: c.7835+5_7835+44del (NM_001042723.2).
Identifiers: ClinVar variation 3385455 (VCV003385455.1).

ClinVar aggregate classification (germline): Uncertain significance (1 of 4 stars; one submission).

Conditions:
Malignant hyperthermia, susceptibility to, 1 (MHS1). Also called: Anesthesia related hyperthermia; Malignant hyperpyrexia; Fulminating hyperpyrexia; Pharmacogenic myopathy; Malignant hyperthermia suceptibility 1; RYR1-Related Malignant Hyperthermia Susceptibility. Identifiers: Orphanet 423, MedGen C2930980, MONDO:0007783, OMIM 145600.

Submission:

All of Us Research Program, National Institutes of Health
Classification: Uncertain significance for Malignant hyperthermia, susceptibility to, 1. Last evaluated: 2024-03-05. Review status: criteria provided, single submitter. Criteria: ACMG Guidelines, 2015. Collection method: clinical testing. Allele origin: germline. Inheritance: Autosomal dominant inheritance. Observed: 1 variant allele, 1 heterozygote.
Comment: This study involves interpretation of variants in research participants for the purpose of population health screening. Participant phenotype was not available at the time of variant classification. Additional details can be found in publication PMID: 35346344, PMCID: PMC8962531